The following is an entry in ClinVar:

ClinVar aggregate classification (germline): Uncertain significance. Review status: criteria provided, multiple submitters, no conflicts (2 of 4 stars). 2 submissions from 2 submitters: Uncertain significance (2). Last evaluated 2025-11-19.

Conditions:
Hereditary cancer-predisposing syndrome. Also called: Hereditary neoplastic syndrome; Neoplastic Syndromes, Hereditary; Hereditary Cancer Syndrome; Tumor predisposition. Identifiers: Orphanet 140162, MedGen C0027672, MeSH D009386, MONDO:0015356.
Gastrointestinal stromal tumor. Also called: Gastrointestinal stromal tumor, somatic; Gastrointestinal stroma tumor. Identifiers: Orphanet 44890, MedGen C0238198, MeSH D046152, MONDO:0011719, OMIM 606764, HP:0100723.

Allele frequency attached by ClinVar (database versions not stated): gnomAD exomes below 0.00001.
gnomAD v4.1: 4 of 1,614,070 alleles (0.00025%); highest among the groups gnomAD compares: Non-Finnish European, 0.00034%; no homozygotes.

Submissions (2):

Labcorp Genetics (formerly Invitae), Labcorp
Classification: Uncertain significance for Gastrointestinal stromal tumor. Last evaluated: 2025-11-19. Review status: criteria provided, single submitter. Criteria: Invitae Variant Classification Sherloc (09022015). Collection method: clinical testing. Allele origin: germline.
Comment: This sequence change replaces histidine, which is basic and polar, with tyrosine, which is neutral and polar, at codon 580 of the KIT protein (p.His580Tyr). This variant is not present in population databases (gnomAD no frequency). This variant has not been reported in the literature in individuals affected with KIT-related conditions. ClinVar contains an entry for this variant (Variation ID: 961009). An algorithm developed to predict the effect of missense changes on protein structure and function (PolyPhen-2) suggests that this variant is likely to be tolerated. In summary, the available evidence is currently insufficient to determine the role of this variant in disease. Therefore, it has been classified as a Variant of Uncertain Significance.

Ambry Genetics
Classification: Uncertain significance for Hereditary cancer-predisposing syndrome. Last evaluated: 2024-03-07. Review status: criteria provided, single submitter. Criteria: Ambry Variant Classification Scheme 2023. Collection method: clinical testing. Allele origin: germline.
Comment: The p.H580Y variant (also known as c.1738C>T), located in coding exon 11 of the KIT gene, results from a C to T substitution at nucleotide position 1738. The histidine at codon 580 is replaced by tyrosine, an amino acid with similar properties. This amino acid position is not well conserved in available vertebrate species. In addition, the in silico prediction for this alteration is inconclusive. Since supporting evidence is limited at this time, the clinical significance of this alteration remains unclear.

NM_000222.3(KIT):c.1738C>T (p.His580Tyr)

Gene: KIT (KIT proto-oncogene, receptor tyrosine kinase; plus strand). Cytogenetic location: 4q12.
Variant type: single nucleotide variant.
Coding change: c.1738C>T on transcript NM_000222.3 (MANE Select); coding-DNA position 1738, C replaced by T.
Protein change: p.His580Tyr; replaces histidine 580 with tyrosine.
Molecular consequence: missense variant.
Genome position (GRCh38, 1-based): chr4:54,727,506, C>T. VCF-style: chr4-54727506-C-T. GRCh37 (hg19) VCF-style: chr4-55593672-C-T.
Other names: c.1726C>T, p.His576Tyr (NM_001093772.2, NM_001385286.1); c.1741C>T, p.His581Tyr (NM_001385284.1, NM_001385290.1); c.1738C>T, p.His580Tyr (NM_001385285.1); c.1729C>T, p.His577Tyr (NM_001385288.1, NM_001385292.1); short protein forms H576Y, H580Y, H577Y, H581Y.
Identifiers: ClinVar variation 961009 (VCV000961009.10), dbSNP rs1437044852, ClinGen allele CA356907602.